The following is an entry in ClinVar:

NM_006231.4(POLE):c.4891C>T (p.Arg1631Cys)

Gene: POLE (DNA polymerase epsilon, catalytic subunit; minus strand). Cytogenetic location: 12q24.33.
Variant type: single nucleotide variant.
Coding change: c.4891C>T on transcript NM_006231.4 (MANE Select); coding-DNA position 4891, C replaced by T.
Protein change: p.Arg1631Cys; replaces arginine 1631 with cysteine.
Molecular consequence: missense variant.
Genome position (GRCh38, 1-based): chr12:132,642,567, G>A on the plus strand (C>T on the coding strand, the complement: POLE is on the minus strand). VCF-style: chr12-132642567-G-A. GRCh37 (hg19) VCF-style: chr12-133219153-G-A.
Other names: short protein forms R1631C.
Identifiers: ClinVar variation 422793 (VCV000422793.10), dbSNP rs565413729, ClinGen allele CA6892688.
Genomic context (GRCh38, chr12:132,642,567, plus strand): 5'-TGCTCATCTCGAAGGCCTGCGACAGGCAGGTGTCCAGGTTGAGGTAGTGACGGATCATGC[G>A]CCGGGCTCCATGGCGCTGCCAGTCCAGGACCCCATAGTTGATCTTGTCAGCCACACAGAT-3'
Protein context (NP_006222.2, residues 1621-1641): VLDWQRHGAR[Arg1631Cys]MIRHYLNLDT

ClinVar aggregate classification (germline): Uncertain significance. Review status: criteria provided, multiple submitters, no conflicts (2 of 4 stars). 3 submissions from 3 submitters: Uncertain significance (3). Last evaluated 2025-09-29.

Conditions:
Hereditary cancer-predisposing syndrome. Also called: Hereditary neoplastic syndrome; Neoplastic Syndromes, Hereditary; Tumor predisposition; Hereditary Cancer Syndrome. Identifiers: Orphanet 140162, MedGen C0027672, MeSH D009386, MONDO:0015356.

Allele frequency attached by ClinVar (database versions not stated): gnomAD 0.00001 and 0.00002; gnomAD exomes 0.00001 and 0.00002; TOPMed 0.00001; ExAC 0.00002; 1000 Genomes Project 0.00020; 1000 Genomes Project 30x 0.00031.
gnomAD v4.1: 13 of 1,613,530 alleles (0.00081%); highest among the groups gnomAD compares: East Asian, 0.022%; no homozygotes.

Submissions (3):

Labcorp Genetics (formerly Invitae), Labcorp
Classification: Uncertain significance. Last evaluated: 2025-09-29. Review status: criteria provided, single submitter. Criteria: Invitae Variant Classification Sherloc (09022015). Collection method: clinical testing. Allele origin: germline.
Comment: This sequence change replaces arginine, which is basic and polar, with cysteine, which is neutral and slightly polar, at codon 1631 of the POLE protein (p.Arg1631Cys). This variant is present in population databases (rs565413729, gnomAD 0.02%). This variant has not been reported in the literature in individuals affected with POLE-related conditions. ClinVar contains an entry for this variant (Variation ID: 422793). Invitae Evidence Modeling of protein sequence and biophysical properties (such as structural, functional, and spatial information, amino acid conservation, physicochemical variation, residue mobility, and thermodynamic stability) indicates that this missense variant is not expected to disrupt POLE protein function with a negative predictive value of 80%. In summary, the available evidence is currently insufficient to determine the role of this variant in disease. Therefore, it has been classified as a Variant of Uncertain Significance.

Ambry Genetics
Classification: Uncertain significance for Hereditary cancer-predisposing syndrome. Last evaluated: 2024-12-12. Review status: criteria provided, single submitter. Criteria: Ambry Variant Classification Scheme 2023. Collection method: clinical testing. Allele origin: germline.
Comment: The p.R1631C variant (also known as c.4891C>T), located in coding exon 37 of the POLE gene, results from a C to T substitution at nucleotide position 4891. The arginine at codon 1631 is replaced by cysteine, an amino acid with highly dissimilar properties. This amino acid position is not well conserved in available vertebrate species. In addition, the in silico prediction for this alteration is inconclusive. Based on the available evidence, the clinical significance of this variant remains unclear.

GeneDx
Classification: Uncertain significance. Last evaluated: 2023-10-16. Review status: criteria provided, single submitter. Criteria: GeneDx Variant Classification Process June 2021. Collection method: clinical testing. Allele origin: germline. Affected: yes.
Comment: Not observed at significant frequency in large population cohorts (gnomAD); In silico analysis supports that this missense variant has a deleterious effect on protein structure/function; Has not been previously published as pathogenic or benign to our knowledge